The following is an entry in ClinVar:

ClinVar aggregate classification (germline): Uncertain significance (1 of 4 stars; one submission).

Conditions:
Progressive myoclonic epilepsy. Also called: Familial progressive myoclonic epilepsy; Myoclonic Epilepsies, Progressive; Myoclonus epilepsy; Progressive myoclonus epilepsy. Identifiers: Orphanet 308, Orphanet 98261, MedGen C0751778, MONDO:0020074.

Submission:

Labcorp Genetics (formerly Invitae), Labcorp
Classification: Uncertain significance for Progressive myoclonic epilepsy. Last evaluated: 2020-05-05. Review status: criteria provided, single submitter. Criteria: Invitae Variant Classification Sherloc (09022015). Collection method: clinical testing. Allele origin: germline.
Comment: This sequence change replaces proline with serine at codon 56 of the SCARB2 protein (p.Pro56Ser). The proline residue is highly conserved and there is a moderate physicochemical difference between proline and serine. This variant is not present in population databases (ExAC no frequency). This variant has not been reported in the literature in individuals with SCARB2-related conditions. Algorithms developed to predict the effect of missense changes on protein structure and function (SIFT, PolyPhen-2, Align-GVGD) all suggest that this variant is likely to be disruptive, but these predictions have not been confirmed by published functional studies and their clinical significance is uncertain. In summary, the available evidence is currently insufficient to determine the role of this variant in disease. Therefore, it has been classified as a Variant of Uncertain Significance.

NM_005506.4(SCARB2):c.166C>T (p.Pro56Ser)

Gene: SCARB2 (scavenger receptor class B member 2; minus strand). Cytogenetic location: 4q21.1.
Variant type: single nucleotide variant.
Coding change: c.166C>T on transcript NM_005506.4 (MANE Select); coding-DNA position 166, C replaced by T.
Protein change: p.Pro56Ser; replaces proline 56 with serine.
Molecular consequence: missense variant.
Genome position (GRCh38, 1-based): chr4:76,195,816, G>A on the plus strand (C>T on the coding strand, the complement: SCARB2 is on the minus strand). VCF-style: chr4-76195816-G-A. GRCh37 (hg19) VCF-style: chr4-77116969-G-A.
Other names: c.166C>T, p.Pro56Ser (NM_001204255.2); short protein forms P56S.
Identifiers: ClinVar variation 1060742 (VCV001060742.9), dbSNP rs2109960897, ClinGen allele CA357327661.